The following is an entry in ClinVar:

NM_001211.6(BUB1B):c.581+1G>T

Gene: BUB1B (BUB1 mitotic checkpoint serine/threonine kinase B; plus strand). Cytogenetic location: 15q15.1.
Variant type: single nucleotide variant.
Coding change: c.581+1G>T on transcript NM_001211.6 (MANE Select); the canonical splice donor site of the intron after coding-DNA position 581, G replaced by T.
Molecular consequence: splice donor variant.
Genome position (GRCh38, 1-based): chr15:40,176,674, G>T. VCF-style: chr15-40176674-G-T. GRCh37 (hg19) VCF-style: chr15-40468875-G-T.
Identifiers: ClinVar variation 1510796 (VCV001510796.6), dbSNP rs2037228249, ClinGen allele CA391681608.

ClinVar aggregate classification (germline): Likely pathogenic (1 of 4 stars; one submission).

Conditions:
Mosaic variegated aneuploidy syndrome 1 (MVA1). Also called: Warburton-Anyane-Yeboa syndrome. Identifiers: Orphanet 1052, MedGen C1850343, MONDO:0009759, OMIM 257300.

Allele frequency attached by ClinVar (database versions not stated): gnomAD 0.00001.
gnomAD v4.1: 1 of 1,613,754 alleles (0.000062%); highest among the groups gnomAD compares: African/African-American, 0.0013%; no homozygotes.

Submission:

Labcorp Genetics (formerly Invitae), Labcorp
Classification: Likely pathogenic for Mosaic variegated aneuploidy syndrome 1. Last evaluated: 2022-07-12. Review status: criteria provided, single submitter. Criteria: Invitae Variant Classification Sherloc (09022015). Collection method: clinical testing. Allele origin: germline.
Comment: This sequence change affects a donor splice site in intron 5 of the BUB1B gene. It is expected to disrupt RNA splicing. Variants that disrupt the donor or acceptor splice site typically lead to a loss of protein function (PMID: 16199547), and loss-of-function variants in BUB1B are known to be pathogenic (PMID: 15475955, 21190457). This variant is not present in population databases (gnomAD no frequency). This variant has not been reported in the literature in individuals affected with BUB1B-related conditions. ClinVar contains an entry for this variant (Variation ID: 1510796). Algorithms developed to predict the effect of sequence changes on RNA splicing suggest that this variant may disrupt the consensus splice site. In summary, the currently available evidence indicates that the variant is pathogenic, but additional data are needed to prove that conclusively. Therefore, this variant has been classified as Likely Pathogenic.

Literature cited by the submitters: PubMed 16199547; PubMed 15475955; PubMed 21190457.